The following is an entry in ClinVar:

NM_170707.4(LMNA):c.1488+3G>A

Gene: LMNA (lamin A/C; plus strand). Cytogenetic location: 1q22.
Variant type: single nucleotide variant.
Coding change: c.1488+3G>A on transcript NM_170707.4 (MANE Select); 3 bases into the intron after coding-DNA position 1488, G replaced by A.
Molecular consequence: intron variant.
Genome position (GRCh38, 1-based): chr1:156,137,031, G>A. VCF-style: chr1-156137031-G-A. GRCh37 (hg19) VCF-style: chr1-156106822-G-A.
Other names: c.1488+3G>A (NM_001282625.2, NM_001282626.2, NM_170708.4 and 1 more transcripts); c.1152+3G>A (NM_001257374.3); c.1245+3G>A (NM_001282624.2).
Identifiers: ClinVar variation 1424379 (VCV001424379.8), dbSNP rs2102894426, ClinGen allele CA2573130627.

ClinVar aggregate classification (germline): Uncertain significance. Review status: criteria provided, multiple submitters, no conflicts (2 of 4 stars). 2 submissions from 2 submitters: Uncertain significance (2). Last evaluated 2025-03-06.

Conditions:
Charcot-Marie-Tooth disease type 2. Also called: Charcot-Marie-Tooth type 2. Identifiers: Orphanet 64746, MedGen C0270914, MONDO:0018993.

Submissions (2):

Dasa
Classification: Uncertain significance. Last evaluated: 2025-03-06. Review status: criteria provided, single submitter. Criteria: DASA Assertion Criteria. Collection method: clinical testing. Allele origin: germline.
Comment: NM_170707.4(LMNA):c.1488+3G>A is a splice-region variant. This variant is absent from population databases. Computational prediction algorithms are consistent with a benign effect. The currently available literature and clinical evidence are not sufficient to establish a definitive association between this variant and the reported condition. Therefore, this variant is classified as a variant of uncertain significance.

Labcorp Genetics (formerly Invitae), Labcorp
Classification: Uncertain significance for Charcot-Marie-Tooth disease type 2. Last evaluated: 2022-04-10. Review status: criteria provided, single submitter. Criteria: Invitae Variant Classification Sherloc (09022015). Collection method: clinical testing. Allele origin: germline.
Comment: This sequence change falls in intron 8 of the LMNA gene. It does not directly change the encoded amino acid sequence of the LMNA protein. It affects a nucleotide within the consensus splice site. This variant is not present in population databases (gnomAD no frequency). This variant has not been reported in the literature in individuals affected with LMNA-related conditions. Variants that disrupt the consensus splice site are a relatively common cause of aberrant splicing (PMID: 17576681, 9536098). Algorithms developed to predict the effect of sequence changes on RNA splicing suggest that this variant is not likely to affect RNA splicing. In summary, the available evidence is currently insufficient to determine the role of this variant in disease. Therefore, it has been classified as a Variant of Uncertain Significance.

Literature cited by the submitters: PubMed 17576681 (cited by Labcorp Genetics (formerly Invitae), Labcorp); PubMed 9536098 (cited by Labcorp Genetics (formerly Invitae), Labcorp).